The following is an entry in ClinVar:

NM_031407.7(HUWE1):c.1849G>A (p.Gly617Ser)

Gene: HUWE1 (HECT, UBA and WWE domain containing E3 ubiquitin protein ligase 1; minus strand). Cytogenetic location: Xp11.22.
Variant type: single nucleotide variant.
Coding change: c.1849G>A on transcript NM_031407.7 (MANE Select); coding-DNA position 1849, G replaced by A.
Protein change: p.Gly617Ser; replaces glycine 617 with serine.
Molecular consequence: missense variant.
Genome position (GRCh38, 1-based): chrX:53,617,078, C>T on the plus strand (G>A on the coding strand, the complement: HUWE1 is on the minus strand). VCF-style: chrX-53617078-C-T. GRCh37 (hg19) VCF-style: chrX-53644039-C-T.
Other names: c.1849G>A, p.Gly617Ser (NM_001441048.1, NM_001441049.1, NM_001441051.1 and 6 more transcripts); c.1870G>A, p.Gly624Ser (NM_001441050.1, NM_001441055.1); short protein forms G624S, G617S.
Identifiers: ClinVar variation 4088094 (VCV004088094.1).

ClinVar aggregate classification (germline): Uncertain significance (1 of 4 stars; one submission).

Submission:

GeneDx
Classification: Uncertain significance. Last evaluated: 2025-03-29. Review status: criteria provided, single submitter. Criteria: GeneDx Variant Classification Process June 2021. Collection method: clinical testing. Allele origin: germline. Affected: yes.
Comment: Not observed at significant frequency in large population cohorts (gnomAD); In silico analysis supports that this missense variant has a deleterious effect on protein structure/function; Has not been previously published as pathogenic or benign to our knowledge